The following is an entry in ClinVar:

ClinVar aggregate classification (germline): Pathogenic/Likely pathogenic. Review status: criteria provided, multiple submitters, no conflicts (2 of 4 stars). 3 submissions from 3 submitters: Pathogenic (1); Likely pathogenic (2). Last evaluated 2024-12-01.

Conditions:
Acute infantile liver failure due to synthesis defect of mtDNA-encoded proteins. Also called: LIVER FAILURE, INFANTILE, TRANSIENT; TRMU Deficiency; Liver failure acute infantile. Identifiers: Orphanet 217371, MedGen C3278664, MONDO:0013111, OMIM 613070.
Aminoglycoside-induced deafness. Also called: STREPTOMYCIN OTOTOXICITY; MT-RNR1-Related Hearing Loss and Deafness; DEAFNESS, STREPTOMYCIN-INDUCED. Identifiers: Orphanet 168609, MedGen C1838854, MONDO:0010799, OMIM 580000.

Submissions (3):

Natera, Inc.
Classification: Likely pathogenic for Acute infantile liver failure due to synthesis defect of mtDNA-encoded proteins. Last evaluated: 2024-12-01. Review status: criteria provided, single submitter. Criteria: Natera Variant Classification Schema (03/2026). Collection method: clinical testing. Allele origin: germline.
Comment: The c.544C>T variant in TRMU is a nonsense variant predicted to introduce a stop codon at amino acid 182. This variant is expected to result in nonsense mediated decay, truncation, or a dysfunctional protein product. This variant is rare in the general population with a frequency below the threshold expected for the associated phenotype(s). Given the available evidence, this variant is classified as Likely Pathogenic.

Labcorp Genetics (formerly Invitae), Labcorp
Classification: Pathogenic. Last evaluated: 2023-10-30. Review status: criteria provided, single submitter. Criteria: Invitae Variant Classification Sherloc (09022015). Collection method: clinical testing. Allele origin: germline.
Comment: This sequence change creates a premature translational stop signal (p.Gln182*) in the TRMU gene. It is expected to result in an absent or disrupted protein product. Loss-of-function variants in TRMU are known to be pathogenic (PMID: 19732863, 23625533). This variant is not present in population databases (gnomAD no frequency). This variant has not been reported in the literature in individuals affected with TRMU-related conditions. Algorithms developed to predict the effect of sequence changes on RNA splicing suggest that this variant may disrupt the consensus splice site. For these reasons, this variant has been classified as Pathogenic.

Baylor Genetics
Classification: Likely pathogenic for Aminoglycoside-induced deafness. Last evaluated: 2023-10-14. Review status: criteria provided, single submitter. Criteria: ACMG Guidelines, 2015. Collection method: clinical testing. Allele origin: unknown.

Literature cited by the submitters: PubMed 19732863 (cited by Labcorp Genetics (formerly Invitae), Labcorp); PubMed 23625533 (cited by Labcorp Genetics (formerly Invitae), Labcorp).

NM_018006.5(TRMU):c.544C>T (p.Gln182Ter)

Gene: TRMU (tRNA mitochondrial 2-thiouridylase; plus strand). Cytogenetic location: 22q13.31.
Variant type: single nucleotide variant.
Coding change: c.544C>T on transcript NM_018006.5 (MANE Select); coding-DNA position 544, C replaced by T.
Protein change: p.Gln182Ter; replaces glutamine 182 with a stop codon.
Molecular consequence: nonsense. On other transcripts: synonymous variant (1), non-coding transcript variant (2).
Genome position (GRCh38, 1-based): chr22:46,350,356, C>T. VCF-style: chr22-46350356-C-T. GRCh37 (hg19) VCF-style: chr22-46746253-C-T.
Other names: c.489C>T, p.Pro163= (NM_001008568.2); c.544C>T, p.Gln182Ter (NM_001282785.2); c.*82C>T (NM_001008570.2); c.202C>T, p.Gln68Ter (NM_001282782.2); c.124C>T, p.Gln42Ter (NM_001282783.2, NM_001282784.2); c.544C>T (NM_018006.4); short protein forms Q182*, Q42*, Q68*.
Identifiers: ClinVar variation 2679271 (VCV002679271.5), dbSNP rs1436976326, ClinGen allele CA411945355.